The following is an entry in ClinVar:

NM_020433.5(JPH2):c.1396C>T (p.Pro466Ser)

Gene: JPH2 (junctophilin 2; minus strand). Cytogenetic location: 20q13.12.
Variant type: single nucleotide variant.
Coding change: c.1396C>T on transcript NM_020433.5 (MANE Select); coding-DNA position 1396, C replaced by T.
Protein change: p.Pro466Ser; replaces proline 466 with serine.
Molecular consequence: missense variant.
Genome position (GRCh38, 1-based): chr20:44,116,279, G>A on the plus strand (C>T on the coding strand, the complement: JPH2 is on the minus strand). VCF-style: chr20-44116279-G-A. GRCh37 (hg19) VCF-style: chr20-42744919-G-A.
Other names: short protein forms P466S.
Identifiers: ClinVar variation 2093562 (VCV002093562.6), dbSNP rs1168972813, ClinGen allele CA409100714.

ClinVar aggregate classification (germline): Uncertain significance. Review status: criteria provided, multiple submitters, no conflicts (2 of 4 stars). 2 submissions from 2 submitters: Uncertain significance (2). Last evaluated 2023-02-28.

Conditions:
Cardiovascular phenotype. Identifiers: MedGen CN230736.
Hypertrophic cardiomyopathy. Also called: HYPERTROPHIC MYOCARDIOPATHY. Identifiers: Orphanet 217569, MedGen C0007194, MeSH D002312, MONDO:0005045, HP:0001639.

Allele frequency attached by ClinVar (database versions not stated): gnomAD exomes 0.00001.
gnomAD v4.1: 10 of 1,532,492 alleles (0.00065%); highest among the groups gnomAD compares: East Asian, 0.0025%; no homozygotes.

Submissions (2):

Ambry Genetics
Classification: Uncertain significance for Cardiovascular phenotype. Last evaluated: 2023-02-28. Review status: criteria provided, single submitter. Criteria: Ambry Variant Classification Scheme 2023. Collection method: clinical testing. Allele origin: germline.
Comment: The p.P466S variant (also known as c.1396C>T), located in coding exon 4 of the JPH2 gene, results from a C to T substitution at nucleotide position 1396. The proline at codon 466 is replaced by serine, an amino acid with similar properties. This amino acid position is conserved. In addition, this alteration is predicted to be tolerated by in silico analysis. Since supporting evidence is limited at this time, the clinical significance of this alteration remains unclear.

Labcorp Genetics (formerly Invitae), Labcorp
Classification: Uncertain significance for Hypertrophic cardiomyopathy. Last evaluated: 2023-01-05. Review status: criteria provided, single submitter. Criteria: Invitae Variant Classification Sherloc (09022015). Collection method: clinical testing. Allele origin: germline.
Comment: In summary, the available evidence is currently insufficient to determine the role of this variant in disease. Therefore, it has been classified as a Variant of Uncertain Significance. Algorithms developed to predict the effect of missense changes on protein structure and function (SIFT, PolyPhen-2, Align-GVGD) all suggest that this variant is likely to be tolerated. This variant has not been reported in the literature in individuals affected with JPH2-related conditions. The frequency data for this variant in the population databases is considered unreliable, as metrics indicate poor data quality at this position in the gnomAD database. This sequence change replaces proline, which is neutral and non-polar, with serine, which is neutral and polar, at codon 466 of the JPH2 protein (p.Pro466Ser).